The following is an entry in ClinVar:

NM_003982.4(SLC7A7):c.539del (p.Gly180fs)

Gene: SLC7A7 (solute carrier family 7 member 7; minus strand). Cytogenetic location: 14q11.2.
Variant type: Deletion.
Coding change: c.539del on transcript NM_003982.4 (MANE Select); coding-DNA position 539, one base deleted (G; older notation c.539delG).
Protein change: p.Gly180fs; shifts the reading frame from glycine 180.
Molecular consequence: frameshift variant.
Genome position (GRCh38, 1-based): chr14:22,780,012, C deleted on the plus strand (G on the coding strand, the reverse complement: SLC7A7 is on the minus strand); the first of 4 consecutive C bases (chr14:22,780,012-22,780,015); deleting any one gives the same sequence. VCF-style (leftmost placement, unchanged base first): chr14-22780011-TC-T. GRCh37 (hg19) VCF-style: chr14-23249220-TC-T.
Other names: c.539del, p.Gly180fs (NM_001126105.3, NM_001126106.4); c.539del (NM_001126106.2); short protein forms G180fs.
Identifiers: ClinVar variation 1371202 (VCV001371202.8), dbSNP rs1414333836, ClinGen allele CA612901232.

ClinVar aggregate classification (germline): Pathogenic/Likely pathogenic. Review status: criteria provided, multiple submitters, no conflicts (2 of 4 stars). 3 submissions from 3 submitters: Pathogenic (1); Likely pathogenic (2). Last evaluated 2024-05-07.

Conditions:
Lysinuric protein intolerance (LPI). Identifiers: Orphanet 470, MedGen C0268647, MONDO:0009109, OMIM 222700.

Submissions (3):

Fulgent Genetics
Classification: Likely pathogenic for Lysinuric protein intolerance. Last evaluated: 2024-05-07. Review status: criteria provided, single submitter. Criteria: ACMG Guidelines, 2015. Collection method: clinical testing. Allele origin: germline.

Labcorp Genetics (formerly Invitae), Labcorp
Classification: Pathogenic for Lysinuric protein intolerance. Last evaluated: 2023-11-11. Review status: criteria provided, single submitter. Criteria: Invitae Variant Classification Sherloc (09022015). Collection method: clinical testing. Allele origin: germline.
Comment: This sequence change creates a premature translational stop signal (p.Gly180Glufs*16) in the SLC7A7 gene. It is expected to result in an absent or disrupted protein product. Loss-of-function variants in SLC7A7 are known to be pathogenic (PMID: 10631139, 17764084). This variant is present in population databases (no rsID available, gnomAD 0.01%). This variant has not been reported in the literature in individuals affected with SLC7A7-related conditions. ClinVar contains an entry for this variant (Variation ID: 1371202). For these reasons, this variant has been classified as Pathogenic.

Baylor Genetics
Classification: Likely pathogenic for Lysinuric protein intolerance. Last evaluated: 2023-05-28. Review status: criteria provided, single submitter. Criteria: ACMG Guidelines, 2015. Collection method: clinical testing. Allele origin: unknown.

Literature cited by the submitters: PubMed 10631139 (cited by Labcorp Genetics (formerly Invitae), Labcorp); PubMed 17764084 (cited by Labcorp Genetics (formerly Invitae), Labcorp).